The following is an entry in ClinVar:

ClinVar aggregate classification (germline): Uncertain significance. Review status: criteria provided, multiple submitters, no conflicts (2 of 4 stars). 2 submissions from 2 submitters: Uncertain significance (2). Last evaluated 2025-06-24.

Conditions:
Cowden syndrome (CS). Also called: Cowden's disease; Cowden's syndrome; Cowden disease. Identifiers: Orphanet 201, MedGen C0018553, MONDO:0016063. Disease mechanism: gain of function.
Inborn genetic diseases. Identifiers: MedGen C0950123, MeSH D030342.

Submissions (2):

Labcorp Genetics (formerly Invitae), Labcorp
Classification: Uncertain significance for Cowden syndrome. Last evaluated: 2025-06-24. Review status: criteria provided, single submitter. Criteria: Invitae Variant Classification Sherloc (09022015). Collection method: clinical testing. Allele origin: germline.
Comment: This sequence change replaces serine, which is neutral and polar, with tyrosine, which is neutral and polar, at codon 199 of the PIK3CA protein (p.Ser199Tyr). This variant is not present in population databases (gnomAD no frequency). This variant has not been reported in the literature in individuals affected with PIK3CA-related conditions. ClinVar contains an entry for this variant (Variation ID: 1750771). Invitae Evidence Modeling of protein sequence and biophysical properties (such as structural, functional, and spatial information, amino acid conservation, physicochemical variation, residue mobility, and thermodynamic stability) has been performed for this missense variant. However, the output from this modeling did not meet the statistical confidence thresholds required to predict the impact of this variant on PIK3CA protein function. In summary, the available evidence is currently insufficient to determine the role of this variant in disease. Therefore, it has been classified as a Variant of Uncertain Significance.

Ambry Genetics
Classification: Uncertain significance for Inborn genetic diseases. Last evaluated: 2022-02-01. Review status: criteria provided, single submitter. Criteria: Ambry Variant Classification Scheme 2023. Collection method: clinical testing. Allele origin: germline.
Comment: The p.S199Y variant (also known as c.596C>A), located in coding exon 3 of the PIK3CA gene, results from a C to A substitution at nucleotide position 596. The serine at codon 199 is replaced by tyrosine, an amino acid with dissimilar properties. This amino acid position is conserved. In addition, this alteration is predicted to be deleterious by in silico analysis. Since supporting evidence is limited at this time, the clinical significance of this alteration remains unclear.

NM_006218.4(PIK3CA):c.596C>A (p.Ser199Tyr)

Gene: PIK3CA (phosphatidylinositol-4,5-bisphosphate 3-kinase catalytic subunit alpha; plus strand). Cytogenetic location: 3q26.32.
Variant type: single nucleotide variant.
Coding change: c.596C>A on transcript NM_006218.4 (MANE Select); coding-DNA position 596, C replaced by A.
Protein change: p.Ser199Tyr; replaces serine 199 with tyrosine.
Molecular consequence: missense variant.
Genome position (GRCh38, 1-based): chr3:179,201,323, C>A. VCF-style: chr3-179201323-C-A. GRCh37 (hg19) VCF-style: chr3-178919111-C-A.
Other names: short protein forms S199Y.
Identifiers: ClinVar variation 1750771 (VCV001750771.5), dbSNP rs2473893484, ClinGen allele CA355276086.